The following is an entry in ClinVar:

ClinVar aggregate classification (germline): Conflicting classifications of pathogenicity. Review status: criteria provided, conflicting classifications (1 of 4 stars). 3 submissions from 3 submitters: Uncertain significance (1); Likely benign (2). Last evaluated 2026-04-13.

Conditions:
Hereditary cancer-predisposing syndrome. Also called: Neoplastic Syndromes, Hereditary; Tumor predisposition; Hereditary neoplastic syndrome; Hereditary Cancer Syndrome. Identifiers: Orphanet 140162, MedGen C0027672, MeSH D009386, MONDO:0015356.
DICER1-related tumor predisposition. Also called: DICER1-related pleuropulmonary blastoma cancer predisposition syndrome; DICER1 syndrome. Identifiers: Orphanet 284343, MedGen C3839822, MONDO:0100216.

Allele frequency attached by ClinVar (database versions not stated): gnomAD 0.00001; gnomAD exomes 0.00001 and below 0.00001.
gnomAD v4.1: 9 of 1,613,516 alleles (0.00056%); highest among the groups gnomAD compares: South Asian, 0.0099%; no homozygotes.

Submissions (3):

Myriad Genetics, Inc.
Classification: Likely benign for DICER1-related tumor predisposition. Last evaluated: 2026-04-13. Review status: criteria provided, single submitter. Criteria: Myriad Autosomal Dominant, Autosomal Recessive and X-Linked Classification Criteria (2023). Collection method: clinical testing. Allele origin: unknown.
Comment: This variant is considered likely benign. This variant is intronic and is not expected to impact mRNA splicing.

Labcorp Genetics (formerly Invitae), Labcorp
Classification: Likely benign for DICER1-related tumor predisposition. Last evaluated: 2025-10-11. Review status: criteria provided, single submitter. Criteria: Invitae Variant Classification Sherloc (09022015). Collection method: clinical testing. Allele origin: germline.

Sema4
Classification: Uncertain significance for Hereditary cancer-predisposing syndrome. Last evaluated: 2021-09-08. Review status: criteria provided, single submitter. Criteria: Sema4 Curation Guidelines. Collection method: curation. Allele origin: germline.
Comment: The DICER1 c.1510-7T>C variant has not been reported in the literature to our knowledge. It was observed in 1/30528 chromosomes of the South Asian subpopulation in the large and broad cohorts of the Genome Aggregation Database (PMID: 32461654). The variant has not been reported in ClinVar. In silico tools suggest that the variant may not have an impact on splicing, though these predictions have not been confirmed by functional studies. The evidence is insufficient to meet ACMG/AMP criteria for classifying the variant as benign or pathogenic. Thus, the clinical significance of this variant is currently uncertain.

NM_177438.3(DICER1):c.1510-7T>C

Gene: DICER1 (dicer 1, ribonuclease III; minus strand). Cytogenetic location: 14q32.13.
Variant type: single nucleotide variant.
Coding change: c.1510-7T>C on transcript NM_177438.3 (MANE Select); 7 bases into the intron before coding-DNA position 1510, T replaced by C.
Molecular consequence: intron variant.
Genome position (GRCh38, 1-based): chr14:95,116,702, A>G on the plus strand (T>C on the coding strand, the complement: DICER1 is on the minus strand). VCF-style: chr14-95116702-A-G. GRCh37 (hg19) VCF-style: chr14-95583039-A-G.
Other names: c.1510-7T>C (NM_001291628.2, NM_030621.4, NM_001271282.3 and 1 more transcripts).
Identifiers: ClinVar variation 1626067 (VCV001626067.10), dbSNP rs1222162167, ClinGen allele CA616115588.